The following is an entry in ClinVar:

NM_004329.3(BMPR1A):c.611A>C (p.Glu204Ala)

Gene: BMPR1A (bone morphogenetic protein receptor type 1A; plus strand). Cytogenetic location: 10q23.2.
Variant type: single nucleotide variant.
Coding change: c.611A>C on transcript NM_004329.3 (MANE Select); coding-DNA position 611, A replaced by C.
Protein change: p.Glu204Ala; replaces glutamic acid 204 with alanine.
Molecular consequence: missense variant. On other transcripts: non-coding transcript variant (3), intron variant (1).
Genome position (GRCh38, 1-based): chr10:86,912,320, A>C. VCF-style: chr10-86912320-A-C. GRCh37 (hg19) VCF-style: chr10-88672077-A-C.
Other names: c.611A>C, p.Glu204Ala (NM_001406569.1, NM_001406570.1, NM_001406571.1 and 20 more transcripts); c.527A>C, p.Glu176Ala (NM_001406588.1, NM_001406584.1, NM_001406585.1 and 2 more transcripts); c.334-4814A>C (NM_001406589.1); c.686A>C, p.Glu229Ala (NM_001406559.1); c.659A>C, p.Glu220Ala (NM_001406560.1); short protein forms E176A, E204A, E220A, E229A.
Identifiers: ClinVar variation 3070321 (VCV003070321.2), dbSNP rs2539573462, ClinGen allele CA377454766.

ClinVar aggregate classification (germline): Uncertain significance. Review status: criteria provided, multiple submitters, no conflicts (2 of 4 stars). 2 submissions from 2 submitters: Uncertain significance (2). Last evaluated 2025-08-10.

Conditions:
Juvenile polyposis syndrome (JPS). Identifiers: Orphanet 2929, MedGen C0345893, MONDO:0017380, OMIM 174900.
Hereditary cancer-predisposing syndrome. Also called: Neoplastic Syndromes, Hereditary; Tumor predisposition; Hereditary neoplastic syndrome; Hereditary Cancer Syndrome. Identifiers: Orphanet 140162, MedGen C0027672, MeSH D009386, MONDO:0015356.

Submissions (2):

Ambry Genetics
Classification: Uncertain significance for Hereditary cancer-predisposing syndrome. Last evaluated: 2025-08-10. Review status: criteria provided, single submitter. Criteria: Ambry Variant Classification Scheme 2023. Collection method: clinical testing. Allele origin: germline.
Comment: The p.E204A variant (also known as c.611A>C), located in coding exon 6 of the BMPR1A gene, results from an A to C substitution at nucleotide position 611. The glutamic acid at codon 204 is replaced by alanine, an amino acid with dissimilar properties. This amino acid position is conserved. In addition, this alteration is predicted to be deleterious by in silico analysis. Based on the available evidence, the clinical significance of this variant remains unclear.

All of Us Research Program, National Institutes of Health
Classification: Uncertain significance for Juvenile polyposis syndrome. Last evaluated: 2023-04-03. Review status: criteria provided, single submitter. Criteria: ACMG Guidelines, 2015. Collection method: clinical testing. Allele origin: germline. Inheritance: Autosomal dominant inheritance. Observed: 1 variant allele, 1 heterozygote.
Comment: This missense variant replaces glutamic acid with alanine at codon 204 of the BMPR1A protein. Computational prediction suggests that this variant may have deleterious impact on protein structure and function (internally defined REVEL score threshold >= 0.7, PMID: 27666373). To our knowledge, functional studies have not been reported for this variant. This variant has not been reported in individuals affected with BMPR1A-related disorders in the literature. This variant has not been identified in the general population by the Genome Aggregation Database (gnomAD). The available evidence is insufficient to determine the role of this variant in disease conclusively. Therefore, this variant is classified as a Variant of Uncertain Significance.

This study involves interpretation of variants in research participants for the purpose of population health screening. Participant phenotype was not available at the time of variant classification. Additional details can be found in publication PMID: 35346344, PMCID: PMC8962531